The following is an entry in ClinVar:

ClinVar aggregate classification (germline): Uncertain significance (1 of 4 stars; one submission).

Submission:

GeneDx
Classification: Uncertain significance. Last evaluated: 2023-02-10. Review status: criteria provided, single submitter. Criteria: GeneDx Variant Classification Process June 2021. Collection method: clinical testing. Allele origin: germline. Affected: yes.
Comment: Not observed at significant frequency in large population cohorts (gnomAD); In silico analysis supports that this missense variant has a deleterious effect on protein structure/function; Has not been previously published as pathogenic or benign to our knowledge

NM_032387.5(WNK4):c.1294T>C (p.Phe432Leu)

Gene: WNK4 (WNK lysine deficient protein kinase 4; plus strand). Cytogenetic location: 17q21.2.
Variant type: single nucleotide variant.
Coding change: c.1294T>C on transcript NM_032387.5 (MANE Select); coding-DNA position 1294, T replaced by C.
Protein change: p.Phe432Leu; replaces phenylalanine 432 with leucine.
Molecular consequence: missense variant.
Genome position (GRCh38, 1-based): chr17:42,785,300, T>C. VCF-style: chr17-42785300-T-C. GRCh37 (hg19) VCF-style: chr17-40937318-T-C.
Other names: c.286T>C, p.Phe96Leu (NM_001321299.2); short protein forms F432L, F96L.
Identifiers: ClinVar variation 2575711 (VCV002575711.1), dbSNP rs2543997931, ClinGen allele CA399654294.
Genomic context (GRCh38, chr17:42,785,300, plus strand): 5'-TCGGCTCACCCACGCGTCACCCTCAGGTTCACCATCCAGGACCTCCTGGCCCACGCCTTC[T>C]TCCGCGAGGAGCGCGGTGTGCACGTGGAACTAGCGGAGGAGGACGACGGCGAGAAGCCGG-3'
Protein context (NP_115763.2, residues 422-442): TIQDLLAHAF[Phe432Leu]REERGVHVEL